The following is an entry in ClinVar:

ClinVar aggregate classification (germline): Conflicting classifications of pathogenicity. Review status: criteria provided, conflicting classifications (1 of 4 stars). 4 submissions from 4 submitters: Uncertain significance (3); Likely benign (1). Last evaluated 2026-01-06.

Conditions:
Cardiovascular phenotype. Identifiers: MedGen CN230736.
Primary familial hypertrophic cardiomyopathy (HCM). Identifiers: Orphanet 99739, MedGen C0949658, MeSH D024741, MONDO:0024573. Inheritance: Various modes of inheritance.
Dilated cardiomyopathy 1AA (CMD1AA). Also called: CARDIOMYOPATHY, DILATED, 1AA, WITH OR WITHOUT LEFT VENTRICULAR NONCOMPACTION; Cardiomyopathy, dilated, 1AA, with or without LVNC; CARDIOMYOPATHY, FAMILIAL HYPERTROPHIC, 23, WITH OR WITHOUT LEFT VENTRICULAR NONCOMPACTION. Identifiers: Orphanet 154, MedGen C2677338, MONDO:0012808, OMIM 612158.
Cardiomyopathy (CMYO). Also called: Cardiomyopathies. Identifiers: Orphanet 167848, MedGen C0878544, MONDO:0004994, HP:0001638. Inheritance: Various modes of inheritance.

Allele frequency attached by ClinVar (database versions not stated): gnomAD 0.00001; gnomAD exomes 0.00001 and 0.00002; TOPMed 0.00001; ExAC 0.00002.
gnomAD v4.1: 29 of 1,614,060 alleles (0.0018%); highest among the groups gnomAD compares: Non-Finnish European, 0.0025%; no homozygotes.

Submissions (4):

Labcorp Genetics (formerly Invitae), Labcorp
Classification: Likely benign for Primary familial hypertrophic cardiomyopathy; Dilated cardiomyopathy 1AA. Last evaluated: 2026-01-06. Review status: criteria provided, single submitter. Criteria: Invitae Variant Classification Sherloc (09022015). Collection method: clinical testing. Allele origin: germline.

Petrovsky National Research Centre of Surgery, The Federal Agency for Scientific Organizations
Classification: Uncertain significance for Primary familial hypertrophic cardiomyopathy. Last evaluated: 2025-12-22. Review status: criteria provided, single submitter. Criteria: ACMG Guidelines, 2015. Collection method: clinical testing. Allele origin: germline. Affected: yes. Observed: 1 variant allele.
Comment: The variant is in The Genome Aggregation Database (gnomAD) v4.1.0 with total 0.00001797. (Date of access 2025-12-22). In accordance with ACMG (2015) criteria this variant is classified as Uncertain significance with following criteria selected: PM2, PP3.

Ambry Genetics
Classification: Uncertain significance for Cardiovascular phenotype. Last evaluated: 2025-05-07. Review status: criteria provided, single submitter. Criteria: Ambry Variant Classification Scheme 2023. Collection method: clinical testing. Allele origin: germline.

CHEO Genetics Diagnostic Laboratory, Children's Hospital of Eastern Ontario
Classification: Uncertain significance for Cardiomyopathy. Last evaluated: 2019-04-01. Review status: criteria provided, single submitter. Criteria: ACMG Guidelines, 2015. Collection method: clinical testing. Allele origin: germline.

NM_001103.4(ACTN2):c.1549C>T (p.Leu517Phe)

Gene: ACTN2 (actinin alpha 2; plus strand). Cytogenetic location: 1q43.
Variant type: single nucleotide variant.
Coding change: c.1549C>T on transcript NM_001103.4 (MANE Select); coding-DNA position 1549, C replaced by T.
Protein change: p.Leu517Phe; replaces leucine 517 with phenylalanine.
Molecular consequence: missense variant.
Genome position (GRCh38, 1-based): chr1:236,749,157, C>T. VCF-style: chr1-236749157-C-T. GRCh37 (hg19) VCF-style: chr1-236912457-C-T.
Other names: c.1549C>T, p.Leu517Phe (NM_001278343.2); c.925C>T, p.Leu309Phe (NM_001278344.2); short protein forms L517F, L309F.
Identifiers: ClinVar variation 568152 (VCV000568152.17), dbSNP rs759778745, ClinGen allele CA1473192.